The following is an entry in ClinVar:

NM_144672.4(OTOA):c.180-12C>T

Gene: OTOA (otoancorin). Cytogenetic location: 16p12.2.
Variant type: single nucleotide variant.
Coding change: c.180-12C>T on transcript NM_144672.4 (MANE Select); 12 bases into the intron before coding-DNA position 180, C replaced by T.
Molecular consequence: intron variant.
Genome position (GRCh38, 1-based): chr16:21,681,726, C>T. VCF-style: chr16-21681726-C-T. GRCh37 (hg19) VCF-style: chr16-21693047-C-T.
Identifiers: ClinVar variation 505255 (VCV000505255.9), dbSNP rs776210902, ClinGen allele CA7952220.
Genomic context (GRCh38, chr16:21,681,726, plus strand): 5'-ACTTAGCTAGTACAGTAGTGCTTGTAGGAGAATCTGTCATTGTGATCTTTTCCTGTCTGT[C>T]TTCAACTGAAGCTCCCACGTGTGGACGGATGACCTGTCCCACAGAGTCCTGGCCTATCTG-3'

ClinVar aggregate classification (germline): Likely benign. Review status: criteria provided, multiple submitters, no conflicts (2 of 4 stars). 3 submissions from 3 submitters: Likely benign (3). Last evaluated 2025-08-25.

Allele frequency attached by ClinVar (database versions not stated): gnomAD exomes 0.00002 and 0.00008; ExAC 0.00006; gnomAD 0.00009; TOPMed 0.00009.
gnomAD v4.1: 46 of 1,607,884 alleles (0.0029%); highest among the groups gnomAD compares: Admixed American, 0.035%; no homozygotes.

Submissions (3):

Labcorp Genetics (formerly Invitae), Labcorp
Classification: Likely benign. Last evaluated: 2025-08-25. Review status: criteria provided, single submitter. Criteria: Invitae Variant Classification Sherloc (09022015). Collection method: clinical testing. Allele origin: germline.

Blueprint Genetics
Classification: Likely benign. Last evaluated: 2022-06-07. Review status: criteria provided, single submitter. Criteria: ACMG Guidelines, 2015. Collection method: clinical testing. Allele origin: germline.

Laboratory for Molecular Medicine, Mass General Brigham Personalized Medicine
Classification: Likely benign. Last evaluated: 2016-08-04. Review status: criteria provided, single submitter. Criteria: LMM Criteria. Collection method: clinical testing. Allele origin: germline. Observed: 1 variant allele.
Comment: c.180-12C>T in intron 4 of OTOA: This variant is not expected to have clinical s ignificance because a C>T change at this position does not diverge from the spli ce consensus sequence and is therefore unlikely to impact splicing. It has been identified in 4/66460 of European chromsomes and 3/11448 Latino chromosomes by t he Exome Aggregation Consortium (ExAC; dbSNP rs7 76210902).